The following is an entry in ClinVar:

NM_021976.5(RXRB):c.310C>T (p.Pro104Ser)

Gene: RXRB (retinoid X receptor beta; minus strand). Cytogenetic location: 6p21.32.
Variant type: single nucleotide variant.
Coding change: c.310C>T on transcript NM_021976.5 (MANE Select); coding-DNA position 310, C replaced by T.
Protein change: p.Pro104Ser; replaces proline 104 with serine.
Molecular consequence: missense variant. On other transcripts: intron variant (1).
Genome position (GRCh38, 1-based): chr6:33,199,342, G>A on the plus strand (C>T on the coding strand, the complement: RXRB is on the minus strand). VCF-style: chr6-33199342-G-A. GRCh37 (hg19) VCF-style: chr6-33167119-G-A.
Other names: c.310C>T, p.Pro104Ser (NM_001270401.2); c.17-981C>T (NM_001291989.2); short protein forms P104S.
Identifiers: ClinVar variation 3061577 (VCV003061577.2), dbSNP rs201700806, ClinGen allele CA3752060.

ClinVar aggregate classification (germline): Likely benign (0 of 4 stars; one submission).

Conditions:
RXRB-related disorder. Also called: RXRB-related condition.

Allele frequency attached by ClinVar (database versions not stated): TOPMed 0.00002; gnomAD exomes 0.00007; gnomAD 0.00009; 1000 Genomes Project 30x 0.00016; 1000 Genomes Project 0.00020.
gnomAD v4.1: 86 of 1,210,090 alleles (0.0071%); highest among the groups gnomAD compares: East Asian, 0.028%; no homozygotes.

Submission:

PreventionGenetics, part of Exact Sciences
Classification: Likely benign for RXRB-related condition. Last evaluated: 2023-02-01. Review status: no assertion criteria provided. Collection method: clinical testing. Allele origin: germline.
Comment: This variant is classified as likely benign based on ACMG/AMP sequence variant interpretation guidelines (Richards et al. 2015 PMID: 25741868, with internal and published modifications).